The following is an entry in ClinVar:

NM_001267550.2(TTN):c.20185A>C (p.Asn6729His)

Genes: TTN (titin; minus strand), LOC126806429 (BRD4-independent group 4 enhancer GRCh37_chr2:179591393-179592592; plus strand). Cytogenetic location: 2q31.2.
Variant type: single nucleotide variant.
Coding change: c.20185A>C on transcript NM_001267550.2 (MANE Select); coding-DNA position 20185, A replaced by C.
Protein change: p.Asn6729His; replaces asparagine 6729 with histidine.
Molecular consequence: missense variant. On other transcripts: intron variant (3).
Genome position (GRCh38, 1-based): chr2:178,727,180, T>G on the plus strand (A>C on the coding strand, the complement: TTN is on the minus strand). VCF-style: chr2-178727180-T-G. GRCh37 (hg19) VCF-style: chr2-179591907-T-G.
Other names: p.N6412H:AAT>CAT; p.Asn6412His; c.19234A>C, p.Asn6412His (NM_001256850.1); c.16453A>C, p.Asn5485His (NM_133378.4); c.13282+10902A>C (NM_003319.4); c.13858+10902A>C (NM_133437.4); c.13657+10902A>C (NM_133432.3); c.20185A>C (NM_001267550.1); short protein forms N6412H, N6729H, N5485H.
Identifiers: ClinVar variation 203285 (VCV000203285.4), dbSNP rs794729619, ClinGen allele CA311919.
Genomic context (GRCh38, chr2:178,727,180, plus strand): 5'-TGCTGCCAGCGGGATTCTGAGCCTCACAAATGAAATCTCCACTGTCCTCAGTACTGAGAT[T>G]GTTCATCTGTATGACGGCCACTGAGTCAATGAAAGTCATTCTGTACTTATCACTGGCTGG-3'
Protein context (NP_001254479.2, residues 6719-6739): IDSVAVIQMN[Asn6729His]LSTEDSGDFI

ClinVar aggregate classification (germline): Uncertain significance. Review status: criteria provided, multiple submitters, no conflicts (2 of 4 stars). 2 submissions from 2 submitters: Uncertain significance (2). Last evaluated 2024-05-22.

Allele frequency attached by ClinVar (database versions not stated): TOPMed 0.00001.
gnomAD v4.1: 2 of 1,613,154 alleles (0.00012%); highest among the groups gnomAD compares: Non-Finnish European, 0.00017%; no homozygotes.

Submissions (2):

GeneDx
Classification: Uncertain significance. Last evaluated: 2024-05-22. Review status: criteria provided, single submitter. Criteria: GeneDx Variant Classification Process June 2021. Collection method: clinical testing. Allele origin: germline. Affected: yes.
Comment: Not observed at significant frequency in large population cohorts (gnomAD); Missense variant in a gene in which most reported pathogenic variants are truncating/loss of function; Has not been previously published as pathogenic or benign to our knowledge

Mayo Clinic Laboratories, Mayo Clinic
Classification: Uncertain significance. Last evaluated: 2022-08-10. Review status: criteria provided, single submitter. Criteria: ACMG Guidelines, 2015. Collection method: clinical testing. Allele origin: germline. Observed: 1 variant allele.
Comment: BP4, PM2_supporting